The following is an entry in ClinVar:

NM_023936.1(MRPS34):c.321+1G>T

Genes: MRPS34 (mitochondrial ribosomal protein S34; minus strand), LOC130058183 (ATAC-STARR-seq lymphoblastoid silent region 7002; plus strand). Cytogenetic location: 16p13.3.
Variant type: single nucleotide variant.
Coding change: c.321+1G>T on transcript NM_023936.1; the canonical splice donor site of the intron after coding-DNA position 321, G replaced by T.
Molecular consequence: splice donor variant (on NM_023936.2).
Genome position (GRCh38, 1-based): chr16:1,772,798, C>A on the plus strand (G>T on the coding strand, the complement: MRPS34 is on the minus strand). VCF-style: chr16-1772798-C-A. GRCh37 (hg19) VCF-style: chr16-1822799-C-A.
Other names: IVS1DS, G-T, +1; c.321+1G>T (NM_023936.2, NM_001300900.2).
Identifiers: ClinVar variation 430586 (VCV000430586.5), dbSNP rs1161932777, ClinGen allele CA394243765.

ClinVar aggregate classification (germline): Pathogenic (0 of 4 stars; one submission).

Conditions:
Combined oxidative phosphorylation deficiency 32 (COXPD32). Identifiers: MedGen C4540029, MONDO:0054654, OMIM 617664.

Allele frequency attached by ClinVar (database versions not stated): TOPMed below 0.00001; gnomAD 0.00001.

Submissions (2):

OMIM
Classification: Pathogenic for COMBINED OXIDATIVE PHOSPHORYLATION DEFICIENCY 32. Last evaluated: 2017-09-15. Review status: no assertion criteria provided. Collection method: literature only. Allele origin: germline.

Mitochondrial Research Group, Murdoch Children's Research Institute
No classification provided (evidence only). Condition: Leigh syndrome. Last evaluated: 2017-06-29. Review status: no classification provided. Collection method: research. Allele origin: not applicable. Inheritance: Autosomal recessive inheritance. Functional consequence: effect on RNA splicing. Not counted in ClinVar's aggregate classification.
Comment: "Pathogenic" was previously submitted as the classification for the variant. However, the classification appeared to be based only on an observation of functional data so it was converted to no classification on 2025-07-30.

Literature cited by the submitters: PubMed 28777931 (cited by OMIM); PubMed 2877793 (cited by Mitochondrial Research Group, Murdoch Children's Research Institute).